The following is an entry in ClinVar:

ClinVar aggregate classification (germline): Likely benign. Review status: criteria provided, multiple submitters, no conflicts (2 of 4 stars). 2 submissions from 2 submitters: Likely benign (2). Last evaluated 2023-06-29.

Conditions:
Autosomal recessive limb-girdle muscular dystrophy type 2K. Also called: MUSCULAR DYSTROPHY-DYSTROGLYCANOPATHY (LIMB-GIRDLE), TYPE C, 1; MUSCULAR DYSTROPHY, LIMB-GIRDLE, TYPE 2K. Identifiers: Orphanet 86812, MedGen C1836373, MONDO:0012248, OMIM 609308.
Muscular dystrophy-dystroglycanopathy (congenital with impaired intellectual development), type B, 1. Also called: Muscular dystrophy-dystroglycanopathy (congenital with intellectual disability), type B1; MUSCULAR DYSTROPHY, CONGENITAL, POMT1-RELATED. Identifiers: MedGen C5436962, MONDO:0013159, OMIM 613155.
Walker-Warburg congenital muscular dystrophy. Also called: Muscular dystrophy-dystroglycanopathy, type A; Walker-Warburg syndrome. Identifiers: Orphanet 899, MedGen C0265221, MONDO:0000171.

Allele frequency attached by ClinVar (database versions not stated): gnomAD exomes 0.00001 and below 0.00001; TOPMed 0.00001; ExAC 0.00001.
gnomAD v4.1: 2 of 1,613,960 alleles (0.00012%); highest among the groups gnomAD compares: South Asian, 0.0011%; no homozygotes.

Submissions (2):

Labcorp Genetics (formerly Invitae), Labcorp
Classification: Likely benign for Muscular dystrophy-dystroglycanopathy (congenital with impaired intellectual development), type B, 1; Walker-Warburg congenital muscular dystrophy; Autosomal recessive limb-girdle muscular dystrophy type 2K. Last evaluated: 2023-06-29. Review status: criteria provided, single submitter. Criteria: Invitae Variant Classification Sherloc (09022015). Collection method: clinical testing. Allele origin: germline.

GeneDx
Classification: Likely benign. Last evaluated: 2017-05-31. Review status: criteria provided, single submitter. Criteria: GeneDx Variant Classification (06012015). Collection method: clinical testing. Allele origin: germline. Affected: yes.
Comment: This variant is considered likely benign or benign based on one or more of the following criteria: it is a conservative change, it occurs at a poorly conserved position in the protein, it is predicted to be benign by multiple in silico algorithms, and/or has population frequency not consistent with disease.

NM_001077365.2(POMT1):c.1371C>T (p.Ser457=)

Gene: POMT1 (protein O-mannosyltransferase 1; plus strand). Cytogenetic location: 9q34.13.
Variant type: single nucleotide variant.
Coding change: c.1371C>T on transcript NM_001077365.2 (MANE Select); coding-DNA position 1371, C replaced by T.
Protein change: p.Ser457=; no amino-acid change (serine 457 retained).
Molecular consequence: synonymous variant. On other transcripts: non-coding transcript variant (10), intron variant (1).
Genome position (GRCh38, 1-based): chr9:131,518,842, C>T. VCF-style: chr9-131518842-C-T. GRCh37 (hg19) VCF-style: chr9-134394229-C-T.
Other names: c.1209C>T, p.Ser403= (NM_001077366.2, NM_001353194.2); c.1371C>T, p.Ser457= (NM_001136113.2); c.1020C>T, p.Ser340= (NM_001136114.2, NM_001353195.2, NM_001374691.1 and 2 more transcripts); c.1437C>T, p.Ser479= (NM_001353193.2, NM_007171.4); c.1281C>T, p.Ser427= (NM_001353196.2); c.1275C>T, p.Ser425= (NM_001353197.2, NM_001353198.2); c.1086C>T, p.Ser362= (NM_001353199.2); c.915C>T, p.Ser305= (NM_001353200.2); and 3 more.
Identifiers: ClinVar variation 509760 (VCV000509760.4), dbSNP rs746412899, ClinGen allele CA5293681.